The following is an entry in ClinVar:

ClinVar aggregate classification (germline): Likely benign. Review status: criteria provided, single submitter (1 of 4 stars). 2 submissions from 2 submitters: Likely benign (1). 1 of the submissions does not count toward it. Last evaluated 2022-09-24.

Conditions:
MMP13-related disorder. Also called: MMP13-related disorders; MMP13-related condition.

Allele frequency attached by ClinVar (database versions not stated): gnomAD 0.00003; TOPMed 0.00003; gnomAD exomes 0.00006; ExAC 0.00008.

Submissions (2):

Labcorp Genetics (formerly Invitae), Labcorp
Classification: Likely benign. Last evaluated: 2022-09-24. Review status: criteria provided, single submitter. Criteria: Invitae Variant Classification Sherloc (09022015). Collection method: clinical testing. Allele origin: germline.

PreventionGenetics, part of Exact Sciences
Classification: Likely benign for MMP13-related condition. Last evaluated: 2020-01-13. Review status: no assertion criteria provided. Collection method: clinical testing. Allele origin: germline. Not counted in ClinVar's aggregate classification.
Comment: This variant is classified as likely benign based on ACMG/AMP sequence variant interpretation guidelines (Richards et al. 2015 PMID: 25741868, with internal and published modifications).

NM_002427.4(MMP13):c.954G>A (p.Ala318=)

Gene: MMP13 (matrix metallopeptidase 13; minus strand). Cytogenetic location: 11q22.2.
Variant type: single nucleotide variant.
Coding change: c.954G>A on transcript NM_002427.4 (MANE Select); coding-DNA position 954, G replaced by A.
Protein change: p.Ala318=; no amino-acid change (alanine 318 retained).
Molecular consequence: synonymous variant.
Genome position (GRCh38, 1-based): chr11:102,949,122, C>T on the plus strand (G>A on the coding strand, the complement: MMP13 is on the minus strand). VCF-style: chr11-102949122-C-T. GRCh37 (hg19) VCF-style: chr11-102819851-C-T.
Other names: c.954G>A (NM_002427.3).
Identifiers: ClinVar variation 1927886 (VCV001927886.6), dbSNP rs759581047, ClinGen allele CA6251826.
Genomic context (GRCh38, chr11:102,949,122, plus strand): 5'-ATATGCAGCATCAATACGGTTGGGAAGTTCTGGCCAAAATGATTTCGTTAAAAACAGCTC[C>T]GCATCAACCTGCTGAGGATGCAGGCGCCAGAAGAATCTAACACAAAAGTAAAATGGAGTT-3'
Protein context (NP_002418.1, residues 308-328): FWRLHPQQVD[Ala318=]ELFLTKSFWP